The following is an entry in ClinVar:

ClinVar aggregate classification (germline): Uncertain significance. Review status: criteria provided, multiple submitters, no conflicts (2 of 4 stars). 2 submissions from 2 submitters: Uncertain significance (2). Last evaluated 2025-07-02.

Conditions:
Hereditary cancer-predisposing syndrome. Also called: Tumor predisposition; Neoplastic Syndromes, Hereditary; Hereditary neoplastic syndrome; Hereditary Cancer Syndrome. Identifiers: Orphanet 140162, MedGen C0027672, MeSH D009386, MONDO:0015356.
Ataxia-telangiectasia syndrome (AT). Also called: Ataxia-telangiectasia, complementation group D; AT, COMPLEMENTATION GROUP C; ATAXIA-TELANGIECTASIA, COMPLEMENTATION GROUP A; ATAXIA-TELANGIECTASIA, FRESNO VARIANT; Ataxia-telangiectasia; Ataxia telangiectasia (A-T). Identifiers: Orphanet 100, MedGen C0004135, MONDO:0008840, OMIM 208900.

Submissions (2):

Labcorp Genetics (formerly Invitae), Labcorp
Classification: Uncertain significance for Ataxia-telangiectasia syndrome. Last evaluated: 2025-07-02. Review status: criteria provided, single submitter. Criteria: Invitae Variant Classification Sherloc (09022015). Collection method: clinical testing. Allele origin: germline.
Comment: This sequence change affects an acceptor splice site in intron 53 of the ATM gene. RNA analysis indicates that disruption of this splice site induces altered splicing and likely results in the loss of 2 and insertion of 1 amino acid residue(s), but is expected to preserve the integrity of the reading-frame. This variant is not present in population databases (gnomAD no frequency). Disruption of this splice site has been observed in individual(s) with breast cancer (PMID: 29665859). ClinVar contains an entry for this variant (Variation ID: 924848). Studies have shown that disruption of this splice site results in the activation of a cryptic splice site in exon 54 (internal data). In summary, the available evidence is currently insufficient to determine the role of this variant in disease. Therefore, it has been classified as a Variant of Uncertain Significance.

Color Diagnostics, LLC DBA Color Health
Classification: Uncertain significance for Hereditary cancer-predisposing syndrome. Last evaluated: 2020-01-15. Review status: criteria provided, single submitter. Criteria: ACMG Guidelines, 2015. Collection method: clinical testing. Allele origin: germline.
Comment: This variant causes an A>C nucleotide substitution at the -2 position of intron 53 of the ATM gene. While this variant is predicted to disrupt the intron 53 splice acceptor site, there is an in-frame cryptic splice site that is predicted to cause the deletion of the first 3 bases of exon 54. To our knowledge, RNA and functional studies have not been performed for this variant. This variant has been reported in an individual affected with early-onset breast cancer from an ataxia-telangiectasia (A-T) family (PMID: 29665859). This variant has not been identified in the general population by the Genome Aggregation Database (gnomAD). Two other canonical splice acceptor site variants in this intron also have been described in the literature. ATM c.7928-2A>G was observed in a breast cancer case-control study in one control and absent in the cancer cases (PMID: 19781682) and ATM c.7928-1G>A was observed in cis with c.3111delT and in trans with c.5441T>A (p.Trp1814X) in an A-T affected individual (PMID: 17910737). The available evidence is insufficient to determine the role of this variant in disease conclusively. Therefore, this variant is classified as a Variant of Uncertain Significance.

Literature cited by the submitters: PubMed 29665859 (cited by Labcorp Genetics (formerly Invitae), Labcorp).

NM_000051.4(ATM):c.7928-2A>C

Genes: C11orf65 (chromosome 11 open reading frame 65; minus strand), ATM (ATM serine/threonine kinase; plus strand). Cytogenetic location: 11q22.3.
Variant type: single nucleotide variant.
Coding change: c.7928-2A>C on transcript NM_000051.4 (MANE Select); the canonical splice acceptor site of the intron before coding-DNA position 7928, A replaced by C.
Molecular consequence: splice acceptor variant. On other transcripts: intron variant (2).
Genome position (GRCh38, 1-based): chr11:108,333,884, A>C. VCF-style: chr11-108333884-A-C. GRCh37 (hg19) VCF-style: chr11-108204611-A-C.
Other names: c.641-24813T>G (NM_001330368.2); c.*38+1336T>G (NM_001351110.2); c.7928-2A>C (NM_001351834.2).
Identifiers: ClinVar variation 924848 (VCV000924848.5), dbSNP rs864622610, ClinGen allele CA382561647.
Genomic context (GRCh38, chr11:108,333,884, plus strand): 5'-CTGCTTGACCTTCAATGCTGTTCCTCAGTTTGTCACTAAAATCTCTTCATTTTTAAATAC[A>C]GAAGGCATAAATATTCCAGCAGACCAGCCAATTACTAAACTTAAGAATTTAGAAGATGTT-3'